The following is an entry in ClinVar:

ClinVar aggregate classification (germline): Uncertain significance (1 of 4 stars; one submission).

gnomAD v4.1: 2 of 1,613,990 alleles (0.00012%); highest among the groups gnomAD compares: East Asian, 0.0045%; no homozygotes.

Submission:

Women's Health and Genetics/Laboratory Corporation of America, LabCorp
Classification: Uncertain significance. Last evaluated: 2025-11-06. Review status: criteria provided, single submitter. Criteria: LabCorp Variant Classification Summary - May 2015. Collection method: clinical testing. Allele origin: germline.
Comment: Variant summary: ASXL2 c.3771T>A (p.Asp1257Glu) results in a conservative amino acid change in the encoded protein sequence. Algorithms developed to predict the effect of missense changes on protein structure and function are either unavailable or do not agree on the potential impact of this missense change. The variant allele was found at a frequency of 4e-06 in 249092 control chromosomes. The available data on variant occurrences in the general population are insufficient to allow any conclusion about variant significance. To our knowledge, no occurrence of c.3771T>A in individuals affected with ASXL2-related conditions and no experimental evidence demonstrating its impact on protein function have been reported. No submitters have cited clinical-significance assessments for this variant to ClinVar. Based on the evidence outlined above, the variant was classified as uncertain significance.

NM_018263.6(ASXL2):c.3771T>A (p.Asp1257Glu)

Gene: ASXL2 (ASXL transcriptional regulator 2; minus strand). Cytogenetic location: 2p23.3.
Variant type: single nucleotide variant.
Coding change: c.3771T>A on transcript NM_018263.6 (MANE Select); coding-DNA position 3771, T replaced by A.
Protein change: p.Asp1257Glu; replaces aspartic acid 1257 with glutamic acid.
Molecular consequence: missense variant.
Genome position (GRCh38, 1-based): chr2:25,742,566, A>T on the plus strand (T>A on the coding strand, the complement: ASXL2 is on the minus strand). VCF-style: chr2-25742566-A-T. GRCh37 (hg19) VCF-style: chr2-25965435-A-T.
Other names: c.3597T>A, p.Asp1199Glu (NM_001369346.1); c.2991T>A, p.Asp997Glu (NM_001369347.1); short protein forms D1199E, D1257E, D997E.
Identifiers: ClinVar variation 4537012 (VCV004537012.1).
Genomic context (GRCh38, chr2:25,742,566, plus strand): 5'-CACTGCATGAGCCATCTGCTTCTGTGCTGCCTGAATTAAATCTCTGGCTAGGGTCTTTTC[A>T]TCAAATGTTTGGCCTCTAGTGAACAGGTAATTCTCCTTACTTAAAGTGGTTTGCTCATTC-3'
Protein context (NP_060733.4, residues 1247-1267): NYLFTRGQTF[Asp1257Glu]EKTLARDLIQ